The following is an entry in ClinVar:

ClinVar aggregate classification (germline): Uncertain significance. Review status: criteria provided, multiple submitters, no conflicts (2 of 4 stars). 2 submissions from 2 submitters: Uncertain significance (2). Last evaluated 2022-06-12.

Conditions:
Alstrom syndrome (ALMS). Identifiers: Orphanet 64, MedGen C0268425, MONDO:0008763, OMIM 203800.
Cardiovascular phenotype. Identifiers: MedGen CN230736.

gnomAD v4.1: 1 of 1,614,196 alleles (0.000062%); highest among the groups gnomAD compares: Non-Finnish European, 0.000085%; no homozygotes.

Submissions (2):

Labcorp Genetics (formerly Invitae), Labcorp
Classification: Uncertain significance for Alstrom syndrome. Last evaluated: 2022-06-12. Review status: criteria provided, single submitter. Criteria: Invitae Variant Classification Sherloc (09022015). Collection method: clinical testing. Allele origin: germline.
Comment: This sequence change replaces glutamine, which is neutral and polar, with leucine, which is neutral and non-polar, at codon 2562 of the ALMS1 protein (p.Gln2562Leu). This variant is not present in population databases (gnomAD no frequency). This variant has not been reported in the literature in individuals affected with ALMS1-related conditions. Experimental studies and prediction algorithms are not available or were not evaluated, and the functional significance of this variant is currently unknown. In summary, the available evidence is currently insufficient to determine the role of this variant in disease. Therefore, it has been classified as a Variant of Uncertain Significance.

Ambry Genetics
Classification: Uncertain significance for Cardiovascular phenotype. Last evaluated: 2022-05-23. Review status: criteria provided, single submitter. Criteria: Ambry Variant Classification Scheme 2023. Collection method: clinical testing. Allele origin: germline.
Comment: The p.Q2562L variant (also known as c.7685A>T), located in coding exon 10 of the ALMS1 gene, results from an A to T substitution at nucleotide position 7685. The glutamine at codon 2562 is replaced by leucine, an amino acid with dissimilar properties. This amino acid position is well conserved in available vertebrate species. In addition, this alteration is predicted to be tolerated by in silico analysis. Since supporting evidence is limited at this time, the clinical significance of this alteration remains unclear.

NM_001378454.1(ALMS1):c.7682A>T (p.Gln2561Leu)

Gene: ALMS1 (ALMS1 centrosome and basal body associated protein; plus strand). Cytogenetic location: 2p13.1.
Variant type: single nucleotide variant.
Coding change: c.7682A>T on transcript NM_001378454.1 (MANE Select); coding-DNA position 7682, A replaced by T.
Protein change: p.Gln2561Leu; replaces glutamine 2561 with leucine.
Molecular consequence: missense variant.
Genome position (GRCh38, 1-based): chr2:73,489,641, A>T. VCF-style: chr2-73489641-A-T. GRCh37 (hg19) VCF-style: chr2-73716768-A-T.
Other names: c.7685A>T, p.Gln2562Leu (NM_015120.4); short protein forms Q2562L, Q2561L.
Identifiers: ClinVar variation 1760127 (VCV001760127.4), dbSNP rs2466212012, ClinGen allele CA347263844.